The following is an entry in ClinVar:

NM_000388.4(CASR):c.242T>C (p.Ile81Thr)

Gene: CASR (calcium sensing receptor; plus strand). Cytogenetic location: 3q21.1.
Variant type: single nucleotide variant.
Coding change: c.242T>C on transcript NM_000388.4 (MANE Select); coding-DNA position 242, T replaced by C.
Protein change: p.Ile81Thr; replaces isoleucine 81 with threonine.
Molecular consequence: missense variant.
Genome position (GRCh38, 1-based): chr3:122,257,137, T>C. VCF-style: chr3-122257137-T-C. GRCh37 (hg19) VCF-style: chr3-121975984-T-C.
Other names: c.242T>C (NM_001178065.1); c.242T>C, p.Ile81Thr (NM_001178065.2); short protein forms I81T.
Identifiers: ClinVar variation 1503667 (VCV001503667.8), dbSNP rs2074562857, ClinGen allele CA354362470.

ClinVar aggregate classification (germline): Conflicting classifications of pathogenicity. Review status: criteria provided, conflicting classifications (1 of 4 stars). 3 submissions from 3 submitters: Likely pathogenic (2); Uncertain significance (1). Last evaluated 2024-09-14.

Conditions:
Familial hypocalciuric hypercalcemia (FHH). Also called: Familial benign hypercalcemia. Identifiers: Orphanet 405, MedGen C1809471, MONDO:0018458.
Autosomal dominant hypocalcemia 1 (HYPOC1). Also called: HYPOCALCEMIA, FAMILIAL. Identifiers: MedGen C3715128, MONDO:0011013, OMIM 601198.
Familial hypocalciuric hypercalcemia 1. Also called: Hypercalcemia, familial benign type 1. Identifiers: Orphanet 405, Orphanet 93372, MedGen C0342637, MONDO:0007791, OMIM 145980.

Allele frequency attached by ClinVar (database versions not stated): TOPMed below 0.00001; gnomAD 0.00001.
gnomAD v4.1: 1 of 1,614,060 alleles (0.000062%); highest among the groups gnomAD compares: Non-Finnish European, 0.000085%; no homozygotes.

Submissions (3):

Labcorp Genetics (formerly Invitae), Labcorp
Classification: Uncertain significance for Familial hypocalciuric hypercalcemia; Autosomal dominant hypocalcemia 1. Last evaluated: 2024-09-14. Review status: criteria provided, single submitter. Criteria: Invitae Variant Classification Sherloc (09022015). Collection method: clinical testing. Allele origin: germline.
Comment: This sequence change replaces isoleucine, which is neutral and non-polar, with threonine, which is neutral and polar, at codon 81 of the CASR protein (p.Ile81Thr). This variant is not present in population databases (gnomAD no frequency). This missense change has been observed in individual(s) with clinical features of familial hypocalciuric hypercalcemia (PMID: 22192860). ClinVar contains an entry for this variant (Variation ID: 1503667). An algorithm developed to predict the effect of missense changes on protein structure and function (PolyPhen-2) suggests that this variant is likely to be disruptive. In summary, the available evidence is currently insufficient to determine the role of this variant in disease. Therefore, it has been classified as a Variant of Uncertain Significance.

Cardiovascular Genetics Laboratory, PathWest Laboratory Medicine WA - Fiona Stanley Hospital
Classification: Likely pathogenic for Familial hypocalciuric hypercalcemia 1. Last evaluated: 2022-10-04. Review status: criteria provided, single submitter. Criteria: ACMG Guidelines, 2015. Collection method: clinical testing. Allele origin: germline. Affected: yes.
Comment: The CASR p.Ile81Thr missense variant is absent from the gnomAD population database and in silico algorithms (PolyPhen2, SIFT, Mutation Taster) predict it to be pathogenic. The CASR p.Ile81Thr variant has previously been reported in a patient with familial hypocalciuric hypercalcemia (PMID:22192860).

Clinical Genetics Service, Universitary Hospital 12 de Octubre
Classification: Likely pathogenic for Familial hypocalciuric hypercalcemia 1. Review status: criteria provided, single submitter. Criteria: ACMG Guidelines, 2015. Collection method: clinical testing. Allele origin: germline. Affected: yes.

Literature cited by the submitters: PubMed 22192860 (cited by Labcorp Genetics (formerly Invitae), Labcorp and Cardiovascular Genetics Laboratory, PathWest Laboratory Medicine WA - Fiona Stanley Hospital).